The following is an entry in ClinVar:

NM_000222.3(KIT):c.59T>A (p.Val20Asp)

Gene: KIT (KIT proto-oncogene, receptor tyrosine kinase; plus strand). Cytogenetic location: 4q12.
Variant type: single nucleotide variant.
Coding change: c.59T>A on transcript NM_000222.3 (MANE Select); coding-DNA position 59, T replaced by A.
Protein change: p.Val20Asp; replaces valine 20 with aspartic acid.
Molecular consequence: missense variant.
Genome position (GRCh38, 1-based): chr4:54,658,073, T>A. VCF-style: chr4-54658073-T-A. GRCh37 (hg19) VCF-style: chr4-55524240-T-A.
Other names: c.59T>A, p.Val20Asp (NM_001093772.2, NM_001385284.1, NM_001385285.1 and 4 more transcripts); short protein forms V20D.
Identifiers: ClinVar variation 4713245 (VCV004713245.1).

ClinVar aggregate classification (germline): Uncertain significance (1 of 4 stars; one submission).

Conditions:
Gastrointestinal stromal tumor. Also called: Gastrointestinal stromal tumor, somatic; Gastrointestinal stroma tumor. Identifiers: Orphanet 44890, MedGen C0238198, MeSH D046152, MONDO:0011719, OMIM 606764, HP:0100723.

Submission:

Labcorp Genetics (formerly Invitae), Labcorp
Classification: Uncertain significance for Gastrointestinal stromal tumor. Last evaluated: 2025-02-17. Review status: criteria provided, single submitter. Criteria: Invitae Variant Classification Sherloc (09022015). Collection method: clinical testing. Allele origin: germline.
Comment: This sequence change replaces valine, which is neutral and non-polar, with aspartic acid, which is acidic and polar, at codon 20 of the KIT protein (p.Val20Asp). This variant is not present in population databases (gnomAD no frequency). This variant has not been reported in the literature in individuals affected with KIT-related conditions. An algorithm developed to predict the effect of missense changes on protein structure and function (PolyPhen-2) suggests that this variant is likely to be tolerated. In summary, the available evidence is currently insufficient to determine the role of this variant in disease. Therefore, it has been classified as a Variant of Uncertain Significance.